The following is an entry in ClinVar:

NM_002292.4(LAMB2):c.2322C>G (p.Thr774=)

Gene: LAMB2 (laminin subunit beta 2; minus strand). Cytogenetic location: 3p21.31.
Variant type: single nucleotide variant.
Coding change: c.2322C>G on transcript NM_002292.4 (MANE Select); coding-DNA position 2322, C replaced by G.
Protein change: p.Thr774=; no amino-acid change (threonine 774 retained).
Molecular consequence: synonymous variant.
Genome position (GRCh38, 1-based): chr3:49,125,989, G>C on the plus strand (C>G on the coding strand, the complement: LAMB2 is on the minus strand). VCF-style: chr3-49125989-G-C. GRCh37 (hg19) VCF-style: chr3-49163422-G-C.
Identifiers: ClinVar variation 346000 (VCV000346000.17), dbSNP rs142116851, ClinGen allele CA2394334.

ClinVar aggregate classification (germline): Conflicting classifications of pathogenicity. Review status: criteria provided, conflicting classifications (1 of 4 stars). 5 submissions from 4 submitters: Uncertain significance (2); Likely benign (2). 1 of the submissions does not count toward it. Last evaluated 2025-04-19.

Conditions:
LAMB2-related disorder. Also called: LAMB2-related condition.
LAMB2-related infantile-onset nephrotic syndrome. Also called: NEPHROTIC SYNDROME, TYPE 5, WITHOUT OCULAR ABNORMALITIES; NEPHROTIC SYNDROME, TYPE 5, WITH OCULAR ABNORMALITIES; Nephrotic Syndrome, type 5. Identifiers: Orphanet 306507, MedGen C3280113, MONDO:0013621, OMIM 614199.
Pierson syndrome. Also called: MICROCORIA-CONGENITAL NEPHROTIC SYNDROME. Identifiers: Orphanet 2670, MedGen C1836876, MONDO:0012184, OMIM 609049.

Allele frequency attached by ClinVar (database versions not stated): gnomAD 0.00026; 1000 Genomes Project 30x 0.00016; 1000 Genomes Project 0.00020; TOPMed 0.00020; ESP Exome Variant Server 0.00023.
gnomAD v4.1: 495 of 1,614,178 alleles (0.031%); highest among the groups gnomAD compares: Non-Finnish European, 0.04%; no homozygotes.

Submissions (5):

Labcorp Genetics (formerly Invitae), Labcorp
Classification: Likely benign for LAMB2-related infantile-onset nephrotic syndrome; Pierson syndrome. Last evaluated: 2025-04-19. Review status: criteria provided, single submitter. Criteria: Invitae Variant Classification Sherloc (09022015). Collection method: clinical testing. Allele origin: germline.

Blueprint Genetics
Classification: Likely benign. Last evaluated: 2023-09-19. Review status: criteria provided, single submitter. Criteria: ACMG Guidelines, 2015. Collection method: clinical testing. Allele origin: germline.

Illumina Laboratory Services, Illumina
Classification: Uncertain significance for Pierson syndrome. Last evaluated: 2018-01-13. Review status: criteria provided, single submitter. Criteria: ICSL Variant Classification Criteria 13 December 2019. Collection method: clinical testing. Allele origin: germline.

Illumina Laboratory Services, Illumina
Classification: Uncertain significance for LAMB2-related infantile-onset nephrotic syndrome. Last evaluated: 2018-01-13. Review status: criteria provided, single submitter. Criteria: ICSL Variant Classification Criteria 13 December 2019. Collection method: clinical testing. Allele origin: germline.

PreventionGenetics, part of Exact Sciences
Classification: Likely benign for LAMB2-related condition. Last evaluated: 2024-06-25. Review status: no assertion criteria provided. Collection method: clinical testing. Allele origin: germline. Not counted in ClinVar's aggregate classification.
Comment: This variant is classified as likely benign based on ACMG/AMP sequence variant interpretation guidelines (Richards et al. 2015 PMID: 25741868, with internal and published modifications).